The following is an entry in ClinVar:

ClinVar aggregate classification (germline): Conflicting classifications of pathogenicity. Review status: criteria provided, conflicting classifications (1 of 4 stars). 5 submissions from 5 submitters: Uncertain significance (4); Likely benign (1). Last evaluated 2026-04-04.

Conditions:
TTN-related disorder. Also called: TTN-related disorders; TTN-related condition; TTN-related disease.

Allele frequency attached by ClinVar (database versions not stated): gnomAD exomes 0.00001 and 0.00003; ExAC 0.00003; gnomAD 0.00006 and 0.00007; TOPMed 0.00010; 1000 Genomes Project 30x 0.00016; 1000 Genomes Project 0.00020.
gnomAD v4.1: 20 of 1,612,886 alleles (0.0012%); highest among the groups gnomAD compares: African/African-American, 0.023%; no homozygotes.

Submissions (5):

PreventionGenetics, part of Exact Sciences
Classification: Uncertain significance for TTN-related condition. Last evaluated: 2026-04-04. Review status: criteria provided, single submitter. Criteria: ACMG Guidelines, 2015. Collection method: clinical testing. Allele origin: germline.
Comment: The TTN c.55037G>T variant is predicted to result in the amino acid substitution p.Arg18346Ile. To our knowledge, this variant has not been reported in the literature. This variant is reported in 0.037% of alleles in individuals of African descent in gnomAD. At this time, the clinical significance of this variant is uncertain due to the absence of conclusive functional and genetic evidence.

ARUP Laboratories, Molecular Genetics and Genomics, ARUP Laboratories
Classification: Uncertain significance. Last evaluated: 2023-12-26. Review status: criteria provided, single submitter. Criteria: ARUP Molecular Germline Variant Investigation Process 2024. Collection method: clinical testing. Allele origin: germline.
Comment: The TTN c.55037G>T, p.Arg18346Ile variant (rs573136400; ClinVar Variation ID: 1199065) is rare in the general population (<0.2% allele frequency in the Genome Aggregation Database) and has not been reported in the medical literature in association with dilated cardiomyopathy (DCM) or other TTN-related disease. The clinical relevance of rare missense variants in this gene, which are identified on average once per individual sequenced in affected populations (Herman 2012), is not well understood. Yet, evidence suggests that the vast majority of such missense variants do not contribute to the clinical outcome of DCM (Begay 2015). Thus, the clinical significance of the p.Arg18346Ile variant cannot be determined with certainty. References: Begay RL et al. Role of Titin Missense Variants in Dilated Cardiomyopathy. J Am Heart Assoc. 2015 Nov 13;4(11). PMID: 26567375. Herman DS et al. Truncations of titin causing dilated cardiomyopathy. N Engl J Med. 2012 Feb 16;366(7):619-28. PMID: 22335739. Linke WA and Hamdani N. Gigantic business: titin properties and function through thick and thin. Circ Res 2014; 114(6): 1052-1068. PMID: 24625729.

Mayo Clinic Laboratories, Mayo Clinic
Classification: Uncertain significance. Last evaluated: 2023-08-21. Review status: criteria provided, single submitter. Criteria: ACMG Guidelines, 2015. Collection method: clinical testing. Allele origin: germline. Observed: 1 variant allele.

Revvity Omics, Revvity
Classification: Uncertain significance. Last evaluated: 2019-07-09. Review status: criteria provided, single submitter. Criteria: ACMG Guidelines, 2015. Collection method: clinical testing. Allele origin: germline.

GeneDx
Classification: Likely benign. Last evaluated: 2018-07-03. Review status: criteria provided, single submitter. Criteria: GeneDx Variant Classification Process June 2021. Collection method: clinical testing. Allele origin: germline. Affected: yes.

NM_001267550.2(TTN):c.55037G>T (p.Arg18346Ile)

Genes: TTN-AS1 (TTN antisense RNA 1; plus strand), TTN (titin; minus strand). Cytogenetic location: 2q31.2.
Variant type: single nucleotide variant.
Coding change: c.55037G>T on transcript NM_001267550.2 (MANE Select); coding-DNA position 55037, G replaced by T.
Protein change: p.Arg18346Ile; replaces arginine 18346 with isoleucine.
Molecular consequence: missense variant.
Genome position (GRCh38, 1-based): chr2:178,602,365, C>A on the plus strand (G>T on the coding strand, the complement: TTN is on the minus strand). VCF-style: chr2-178602365-C-A. GRCh37 (hg19) VCF-style: chr2-179467092-C-A.
Other names: p.Arg16705Ile; c.50114G>T, p.Arg16705Ile (NM_001256850.1); c.27842G>T, p.Arg9281Ile (NM_003319.4); c.47333G>T, p.Arg15778Ile (NM_133378.4); c.28217G>T, p.Arg9406Ile (NM_133432.3); c.28418G>T, p.Arg9473Ile (NM_133437.4); short protein forms R15778I, R16705I, R18346I, R9281I, R9406I, R9473I.
Identifiers: ClinVar variation 1199065 (VCV001199065.8), dbSNP rs573136400, ClinGen allele CA1993544.